The following is an entry in ClinVar:

ClinVar aggregate classification (germline): Likely benign (1 of 4 stars; one submission).

Allele frequency attached by ClinVar (database versions not stated): gnomAD exomes below 0.00001; gnomAD 0.00001; TOPMed 0.00001.
gnomAD v4.1: 8 of 1,614,076 alleles (0.0005%); highest among the groups gnomAD compares: South Asian, 0.0022%; no homozygotes.

Submission:

CeGaT Center for Human Genetics Tuebingen
Classification: Likely benign. Last evaluated: 2023-06-01. Review status: criteria provided, single submitter. Criteria: CeGaT Center For Human Genetics Tuebingen Variant Classification Criteria Version 2. Collection method: clinical testing. Allele origin: germline. Affected: yes. Observed: 1 variant allele.
Comment: ZBTB18: BP4

NM_205768.3(ZBTB18):c.75G>A (p.Glu25=)

Gene: ZBTB18 (zinc finger and BTB domain containing 18; plus strand). Cytogenetic location: 1q44.
Variant type: single nucleotide variant.
Coding change: c.75G>A on transcript NM_205768.3 (MANE Select); coding-DNA position 75, G replaced by A.
Protein change: p.Glu25=; no amino-acid change (glutamic acid 25 retained).
Molecular consequence: synonymous variant.
Genome position (GRCh38, 1-based): chr1:244,053,849, G>A. VCF-style: chr1-244053849-G-A. GRCh37 (hg19) VCF-style: chr1-244217151-G-A.
Other names: c.48G>A, p.Glu16= (NM_001278196.2, NM_006352.5); c.75G>A, p.Glu25= (NM_001421566.1).
Identifiers: ClinVar variation 2640216 (VCV002640216.24), dbSNP rs1197392955, ClinGen allele CA424360601.